The following is an entry in ClinVar:

NM_032119.4(ADGRV1):c.16805C>G (p.Pro5602Arg)

Gene: ADGRV1 (adhesion G protein-coupled receptor V1; plus strand). Cytogenetic location: 5q14.3.
Variant type: single nucleotide variant.
Coding change: c.16805C>G on transcript NM_032119.4 (MANE Select); coding-DNA position 16805, C replaced by G.
Protein change: p.Pro5602Arg; replaces proline 5602 with arginine.
Molecular consequence: missense variant. On other transcripts: non-coding transcript variant (1).
Genome position (GRCh38, 1-based): chr5:90,840,771, C>G. VCF-style: chr5-90840771-C-G. GRCh37 (hg19) VCF-style: chr5-90136588-C-G.
Other names: short protein forms P5602R.
Identifiers: ClinVar variation 3897353 (VCV003897353.1).

ClinVar aggregate classification (germline): Uncertain significance (1 of 4 stars; one submission).

gnomAD v4.1: 5 of 1,613,796 alleles (0.00031%); highest among the groups gnomAD compares: Non-Finnish European, 0.00042%; no homozygotes.

Submission:

GeneDx
Classification: Uncertain significance. Last evaluated: 2024-11-05. Review status: criteria provided, single submitter. Criteria: GeneDx Variant Classification Process June 2021. Collection method: clinical testing. Allele origin: germline. Affected: yes.
Comment: Not observed at significant frequency in large population cohorts (gnomAD); In silico analysis supports that this missense variant has a deleterious effect on protein structure/function; Has not been previously published as pathogenic or benign to our knowledge